The following is an entry in ClinVar:

ClinVar aggregate classification (germline): Uncertain significance (1 of 4 stars; one submission).

Conditions:
Perlman syndrome (PRLMNS). Identifiers: Orphanet 2849, MedGen C0796113, MONDO:0009965, OMIM 267000.

Allele frequency attached by ClinVar (database versions not stated): gnomAD exomes below 0.00001; TOPMed below 0.00001; gnomAD 0.00001.
gnomAD v4.1: 2 of 1,613,860 alleles (0.00012%); highest among the groups gnomAD compares: Non-Finnish European, 0.00017%; no homozygotes.

Submission:

Labcorp Genetics (formerly Invitae), Labcorp
Classification: Uncertain significance for Perlman syndrome. Last evaluated: 2021-12-24. Review status: criteria provided, single submitter. Criteria: Invitae Variant Classification Sherloc (09022015). Collection method: clinical testing. Allele origin: germline.
Comment: In summary, the available evidence is currently insufficient to determine the role of this variant in disease. Therefore, it has been classified as a Variant of Uncertain Significance. This sequence change replaces isoleucine, which is neutral and non-polar, with asparagine, which is neutral and polar, at codon 302 of the DIS3L2 protein (p.Ile302Asn). This variant is not present in population databases (gnomAD no frequency). This variant has not been reported in the literature in individuals affected with DIS3L2-related conditions. ClinVar contains an entry for this variant (Variation ID: 569327). Algorithms developed to predict the effect of missense changes on protein structure and function are either unavailable or do not agree on the potential impact of this missense change (SIFT: "Deleterious"; PolyPhen-2: "Probably Damaging"; Align-GVGD: "Class C0").

NM_152383.5(DIS3L2):c.905T>A (p.Ile302Asn)

Gene: DIS3L2 (DIS3 like 3'-5' exoribonuclease 2; plus strand). Cytogenetic location: 2q37.1.
Variant type: single nucleotide variant.
Coding change: c.905T>A on transcript NM_152383.5 (MANE Select); coding-DNA position 905, T replaced by A.
Protein change: p.Ile302Asn; replaces isoleucine 302 with asparagine.
Molecular consequence: missense variant. On other transcripts: non-coding transcript variant (1).
Genome position (GRCh38, 1-based): chr2:232,136,674, T>A. VCF-style: chr2-232136674-T-A. GRCh37 (hg19) VCF-style: chr2-233001384-T-A.
Other names: c.905T>A, p.Ile302Asn (NM_001257281.2); short protein forms I302N.
Identifiers: ClinVar variation 569327 (VCV000569327.8), dbSNP rs1268735648, ClinGen allele CA351153845.